The following is an entry in ClinVar:

NM_000245.4(MET):c.3397G>T (p.Asp1133Tyr)

Gene: MET (MET proto-oncogene, receptor tyrosine kinase; plus strand). Cytogenetic location: 7q31.2.
Variant type: single nucleotide variant.
Coding change: c.3397G>T on transcript NM_000245.4 (MANE Select); coding-DNA position 3397, G replaced by T.
Protein change: p.Asp1133Tyr; replaces aspartic acid 1133 with tyrosine.
Molecular consequence: missense variant.
Genome position (GRCh38, 1-based): chr7:116,778,832, G>T. VCF-style: chr7-116778832-G-T. GRCh37 (hg19) VCF-style: chr7-116418886-G-T.
Other names: c.3451G>T, p.Asp1151Tyr (NM_001127500.3); c.2107G>T, p.Asp703Tyr (NM_001324402.2); short protein forms D703Y, D1151Y, D1133Y.
Identifiers: ClinVar variation 1364807 (VCV001364807.10), dbSNP rs745437003, ClinGen allele CA368990065.
Genomic context (GRCh38, chr7:116,778,832, plus strand): 5'-TCAGGAATCACTGACATAGGAGAAGTTTCCCAATTTCTGACCGAGGGAATCATCATGAAA[G>T]ATTTTAGTCATCCCAATGTCCTCTCGCTCCTGGGAATCTGCCTGCGAAGTGAAGGGTCTC-3'
Protein context (NP_000236.2, residues 1123-1143): QFLTEGIIMK[Asp1133Tyr]FSHPNVLSLL

ClinVar aggregate classification (germline): Uncertain significance. Review status: criteria provided, multiple submitters, no conflicts (2 of 4 stars). 2 submissions from 2 submitters: Uncertain significance (2). Last evaluated 2021-02-15.

Conditions:
Hereditary cancer-predisposing syndrome. Also called: Neoplastic Syndromes, Hereditary; Tumor predisposition; Hereditary neoplastic syndrome; Hereditary Cancer Syndrome. Identifiers: Orphanet 140162, MedGen C0027672, MeSH D009386, MONDO:0015356.
Renal cell carcinoma. Identifiers: Orphanet 217071, MedGen C0007134, MeSH D002292, MONDO:0005086, HP:0005584.

gnomAD v4.1: 2 of 1,614,072 alleles (0.00012%); highest among the groups gnomAD compares: Non-Finnish European, 0.00017%; no homozygotes.

Submissions (2):

Labcorp Genetics (formerly Invitae), Labcorp
Classification: Uncertain significance for Renal cell carcinoma. Last evaluated: 2021-02-15. Review status: criteria provided, single submitter. Criteria: Invitae Variant Classification Sherloc (09022015). Collection method: clinical testing. Allele origin: germline.
Comment: This variant is not present in population databases (ExAC no frequency). This sequence change replaces aspartic acid with tyrosine at codon 1151 of the MET protein (p.Asp1151Tyr). The aspartic acid residue is highly conserved and there is a large physicochemical difference between aspartic acid and tyrosine. This variant has not been reported in the literature in individuals with MET-related conditions. Algorithms developed to predict the effect of missense changes on protein structure and function are either unavailable or do not agree on the potential impact of this missense change (SIFT: "Deleterious"; PolyPhen-2: "Probably Damaging"; Align-GVGD: "Class C15"). In summary, the available evidence is currently insufficient to determine the role of this variant in disease. Therefore, it has been classified as a Variant of Uncertain Significance.

Ambry Genetics
Classification: Uncertain significance for Hereditary cancer-predisposing syndrome. Last evaluated: 2020-02-20. Review status: criteria provided, single submitter. Criteria: Ambry Variant Classification Scheme 2023. Collection method: clinical testing. Allele origin: germline.
Comment: The p.D1151Y variant (also known as c.3451G>T), located in coding exon 16 of the MET gene, results from a G to T substitution at nucleotide position 3451. The aspartic acid at codon 1151 is replaced by tyrosine, an amino acid with highly dissimilar properties. This amino acid position is well conserved in available vertebrate species. In addition, this alteration is predicted to be deleterious by in silico analysis. Since supporting evidence is limited at this time, the clinical significance of this alteration remains unclear.